The following is an entry in ClinVar:

ClinVar aggregate classification (germline): Pathogenic/Likely pathogenic. Review status: criteria provided, multiple submitters, no conflicts (2 of 4 stars). 4 submissions from 4 submitters: Pathogenic (1); Likely pathogenic (1). 2 of the submissions do not count toward it. Last evaluated 2021-07-20.

Conditions:
Pachyonychia congenita 2 (PC2). Also called: KRT17-Related Pachyonychia Congenita; PACHYONYCHIA CONGENITA, JACKSON-LAWLER TYPE; Jackson-Lawler syndrome; KRT6B-Related Pachyonychia Congenita; PC-K17. Identifiers: Orphanet 2309, MedGen C1721007, MONDO:0008174, OMIM 167210.
Steatocystoma multiplex. Also called: Sebocystomatosis; Disseminated sebocystomatosis. Identifiers: Orphanet 841, MedGen C0259771, MONDO:0008485, OMIM 184500, HP:0012035.

Submissions (4):

Fulgent Genetics
Classification: Likely pathogenic for Pachyonychia congenita 2; Steatocystoma multiplex. Last evaluated: 2021-07-20. Review status: criteria provided, single submitter. Criteria: ACMG Guidelines, 2015. Collection method: clinical testing. Allele origin: unknown.

GeneDx
Classification: Pathogenic. Last evaluated: 2016-08-09. Review status: criteria provided, single submitter. Criteria: GeneDx Variant Classification (06012015). Collection method: clinical testing. Allele origin: germline. Affected: yes.
Comment: The c.290_292delCCT variant in the KRT17 gene has been reported previously in a patient with pachyonychia congenita (Terrinoni et al., 2001). Additionally, the c.287_298del12 variant in the KRT17 gene, which encompasses the c._290_292delCCT region, has been reported in a patient with pachyonychia congenita (Wilson et al., 2011). The c.290_292delCCT variant was not observed in approximately 6,500 individuals of European and African American ancestry in the NHLBI Exome Sequencing Project. The c.290_292delCCT variant causes an in-frame deletion of one amino acid, denoted p.S97del. This deletion occurs within a known mutational hotspot region (helix initiation motif) that is highly conserved across all species and among all members of the keratin family. It is well established that keratin gene mutations affecting the residues at the ends of the central rod domains of the keratin proteins (helix initiation and termination motifs) interfere with proper keratin intermediate filament assembly and function, resulting in hyperkeratosis (Chamcheu et al., 2011). Therefore, we consider c.290_292delCCT to be pathogenic.

OMIM
Classification: Pathogenic for PACHYONYCHIA CONGENITA 2. Last evaluated: 2001-12-01. Review status: no assertion criteria provided. Collection method: literature only. Allele origin: germline. Not counted in ClinVar's aggregate classification.

Epithelial Biology;  Institute of Medical Biology, Singapore
No classification provided. Review status: no classification provided. Collection method: not provided. Allele origin: not provided. Not counted in ClinVar's aggregate classification.

Literature cited by the submitters: PubMed 11886499 (cited by OMIM).

NM_000422.3(KRT17):c.287CCT[1] (p.Ser97del)

Gene: KRT17 (keratin 17; minus strand). Cytogenetic location: 17q21.2.
Variant type: Microsatellite.
Coding change: c.287CCT[1] on transcript NM_000422.3 (MANE Select); one copy of the 3-base unit CCT starting at c.287; the reference has two copies in a row; one copy, 3 bases deleted.
Protein change: p.Ser97del; deletes serine 97.
Molecular consequence: inframe deletion.
Genome position (GRCh38, 1-based): chr17:41,624,218-41,624,220, AGG deleted on the plus strand (CCT on the coding strand, the reverse complement: KRT17 is on the minus strand); deleting any 3 consecutive bases within chr17:41,624,218-41,624,223 gives the same sequence; the position shown is the placement nearest the transcript's 3' end. VCF-style (leftmost placement, unchanged base first): chr17-41624217-TAGG-T. GRCh37 (hg19) VCF-style: chr17-39780469-TAGG-T.
Other names: short protein forms S97del.
Identifiers: ClinVar variation 265321 (VCV000265321.3), dbSNP rs121912478, ClinGen allele CA216618.